The following is an entry in ClinVar:

ClinVar aggregate classification (germline): Uncertain significance (1 of 4 stars; one submission).

Conditions:
Charcot-Marie-Tooth disease type 4. Also called: Charcot-Marie-Tooth, Type 4; Charcot-Marie-Tooth disease, type IV. Identifiers: Orphanet 64749, MedGen C4082197, MONDO:0018995.

gnomAD v4.1: 1 of 1,612,292 alleles (0.000062%); highest among the groups gnomAD compares: Middle Eastern, 0.017%; no homozygotes.

Submission:

Labcorp Genetics (formerly Invitae), Labcorp
Classification: Uncertain significance for Charcot-Marie-Tooth disease type 4. Last evaluated: 2019-06-07. Review status: criteria provided, single submitter. Criteria: Invitae Variant Classification Sherloc (09022015). Collection method: clinical testing. Allele origin: germline.
Comment: This sequence change replaces isoleucine with methionine at codon 372 of the FIG4 protein (p.Ile372Met). The isoleucine residue is moderately conserved and there is a small physicochemical difference between isoleucine and methionine. This variant is not present in population databases (ExAC no frequency). This variant has not been reported in the literature in individuals with FIG4-related conditions. Algorithms developed to predict the effect of missense changes on protein structure and function are either unavailable or do not agree on the potential impact of this missense change (SIFT: "Deleterious"; PolyPhen-2: "Possibly Damaging"; Align-GVGD: "Class C0"). In summary, the available evidence is currently insufficient to determine the role of this variant in disease. Therefore, it has been classified as a Variant of Uncertain Significance.

NM_014845.6(FIG4):c.1116C>G (p.Ile372Met)

Gene: FIG4 (FIG4 phosphoinositide 5-phosphatase; plus strand). Cytogenetic location: 6q21.
Variant type: single nucleotide variant.
Coding change: c.1116C>G on transcript NM_014845.6 (MANE Select); coding-DNA position 1116, C replaced by G.
Protein change: p.Ile372Met; replaces isoleucine 372 with methionine.
Molecular consequence: missense variant.
Genome position (GRCh38, 1-based): chr6:109,743,751, C>G. VCF-style: chr6-109743751-C-G. GRCh37 (hg19) VCF-style: chr6-110064954-C-G.
Other names: short protein forms I372M.
Identifiers: ClinVar variation 939725 (VCV000939725.1), dbSNP rs754932535, ClinGen allele CA365222503.